The following is an entry in ClinVar:

ClinVar aggregate classification (germline): Likely benign. Review status: criteria provided, multiple submitters, no conflicts (2 of 4 stars). 2 submissions from 2 submitters: Likely benign (2). Last evaluated 2025-05-01.

Allele frequency attached by ClinVar (database versions not stated): gnomAD 0.00013 and 0.00020; ESP Exome Variant Server 0.00023; TOPMed 0.00027; gnomAD exomes 0.00029 and 0.00036; ExAC 0.00036; 1000 Genomes Project 30x 0.00078; 1000 Genomes Project 0.00100.
gnomAD v4.1: 543 of 1,614,076 alleles (0.034%); highest among the groups gnomAD compares: East Asian, 1.1%; 5 homozygotes.

Submissions (2):

CeGaT Center for Human Genetics Tuebingen
Classification: Likely benign. Last evaluated: 2025-05-01. Review status: criteria provided, single submitter. Criteria: CeGaT Center For Human Genetics Tuebingen Variant Classification Criteria Version 2. Collection method: clinical testing. Allele origin: germline. Affected: yes. Observed: 1 variant allele.
Comment: TBC1D7: BP4, BS1

Labcorp Genetics (formerly Invitae), Labcorp
Classification: Likely benign. Last evaluated: 2025-01-15. Review status: criteria provided, single submitter. Criteria: Invitae Variant Classification Sherloc (09022015). Collection method: clinical testing. Allele origin: germline.

NM_016495.6(TBC1D7):c.593C>T (p.Ala198Val)

Genes: TBC1D7 (TBC1 domain family member 7; minus strand), TBC1D7-LOC100130357 (TBC1D7-LOC100130357 readthrough; minus strand), LOC126859592 (CDK7 strongly-dependent group 2 enhancer GRCh37_chr6:13307473-13308672; plus strand). Cytogenetic location: 6p24.1.
Variant type: single nucleotide variant.
Coding change: c.593C>T on transcript NM_016495.6 (MANE Select); coding-DNA position 593, C replaced by T.
Protein change: p.Ala198Val; replaces alanine 198 with valine.
Molecular consequence: missense variant.
Genome position (GRCh38, 1-based): chr6:13,307,672, G>A on the plus strand (C>T on the coding strand, the complement: TBC1D7 is on the minus strand). VCF-style: chr6-13307672-G-A. GRCh37 (hg19) VCF-style: chr6-13307904-G-A.
Other names: c.593C>T, p.Ala198Val (NM_001318809.2, NM_001143964.4, NM_001143965.4 and 1 more transcripts); c.512C>T, p.Ala171Val (NM_001143966.4); c.455C>T, p.Ala152Val (NM_001258457.3); short protein forms A152V, A198V, A171V.
Identifiers: ClinVar variation 725677 (VCV000725677.19), dbSNP rs142679463, ClinGen allele CA3639681.